The following is an entry in ClinVar:

NM_001298.3(CNGA3):c.471T>G (p.Asp157Glu)

Gene: CNGA3 (cyclic nucleotide gated channel subunit alpha 3; plus strand). Cytogenetic location: 2q11.2.
Variant type: single nucleotide variant.
Coding change: c.471T>G on transcript NM_001298.3 (MANE Select); coding-DNA position 471, T replaced by G.
Protein change: p.Asp157Glu; replaces aspartic acid 157 with glutamic acid.
Molecular consequence: missense variant.
Genome position (GRCh38, 1-based): chr2:98,389,679, T>G. VCF-style: chr2-98389679-T-G. GRCh37 (hg19) VCF-style: chr2-99006142-T-G.
Other names: c.417T>G, p.Asp139Glu (NM_001079878.2); short protein forms D139E, D157E.
Identifiers: ClinVar variation 898382 (VCV000898382.8), dbSNP rs199631623, ClinGen allele CA1793767.
Genomic context (GRCh38, chr2:98,389,679, plus strand): 5'-GGAGCACAGTGCGCTGTTTGTGTATGTGTGGGTTTCCAGGAAGAAGACGAAAAAGAAGGA[T>G]GCGATCGTGGTGGACCCGTCCAGCAACCTGTACTACCGCTGGCTGACCGCCATCGCCCTG-3'
Protein context (NP_001289.1, residues 147-167): TEEEKKTKKK[Asp157Glu]AIVVDPSSNL

ClinVar aggregate classification (germline): Conflicting classifications of pathogenicity. Review status: criteria provided, conflicting classifications (1 of 4 stars). 2 submissions from 2 submitters: Uncertain significance (1); Likely benign (1). Last evaluated 2025-08-16.

Conditions:
Achromatopsia 2 (ACHM2). Also called: COLORBLINDNESS, TOTAL; ROD MONOCHROMACY 2; ROD MONOCHROMATISM 2. Identifiers: Orphanet 49382, MedGen C1857618, MONDO:0009003, OMIM 216900.

Allele frequency attached by ClinVar (database versions not stated): gnomAD 0.00002 and 0.00004; ExAC 0.00003; gnomAD exomes 0.00006; TOPMed 0.00007; 1000 Genomes Project 0.00040; 1000 Genomes Project 30x 0.00047.
gnomAD v4.1: 31 of 1,613,936 alleles (0.0019%); highest among the groups gnomAD compares: East Asian, 0.069%; no homozygotes.

Submissions (2):

Labcorp Genetics (formerly Invitae), Labcorp
Classification: Likely benign. Last evaluated: 2025-08-16. Review status: criteria provided, single submitter. Criteria: Invitae Variant Classification Sherloc (09022015). Collection method: clinical testing. Allele origin: germline.

Illumina Laboratory Services, Illumina
Classification: Uncertain significance for Achromatopsia 2. Last evaluated: 2017-04-27. Review status: criteria provided, single submitter. Criteria: ICSL Variant Classification Criteria 13 December 2019. Collection method: clinical testing. Allele origin: germline.
Comment: This variant was observed as part of a predisposition screen in an ostensibly healthy population. A literature search was performed for the gene, cDNA change, and amino acid change (where applicable). Publications were found based on this search. However, the evidence from the literature, in combination with allele frequency data from public databases where available, was not sufficient to rule this variant in or out of causing disease. Therefore, this variant is classified as a variant of unknown significance.

Literature cited by the submitters: PubMed 15980212 (cited by Illumina Laboratory Services, Illumina).